The following is an entry in ClinVar:

NM_000053.4(ATP7B):c.2356-2A>T

Gene: ATP7B (ATPase copper transporting beta; minus strand). Cytogenetic location: 13q14.3.
Variant type: single nucleotide variant.
Coding change: c.2356-2A>T on transcript NM_000053.4 (MANE Select); the canonical splice acceptor site of the intron before coding-DNA position 2356, A replaced by T.
Molecular consequence: splice acceptor variant. On other transcripts: intron variant (1).
Genome position (GRCh38, 1-based): chr13:51,957,609, T>A on the plus strand (A>T on the coding strand, the complement: ATP7B is on the minus strand). VCF-style: chr13-51957609-T-A. GRCh37 (hg19) VCF-style: chr13-52531745-T-A.
Other names: c.2260-2A>T (NM_001406517.1, NM_001406518.1); c.2122-2A>T (NM_001330578.2, NM_001406527.1, NM_001406534.1 and 2 more transcripts); c.2212-2A>T (NM_001406520.1, NM_001406537.1, NM_001406521.1 and 1 more transcripts); c.2356-2A>T (NM_001406535.1, NM_001406519.1, NM_001406515.1 and 7 more transcripts); c.1927-2A>T (NM_001406539.1); c.1774-2A>T (NM_001406544.1); c.2026-2A>T (NM_001406536.1); c.2116-2A>T (NM_001406530.1); and 8 more.
Identifiers: ClinVar variation 2501173 (VCV002501173.2), dbSNP rs2139505830, ClinGen allele CA388020429.
Genomic context (GRCh38, chr13:51,957,609, plus strand): 5'-ACGGTGGCTTCTGTGGCTTGGAGAGACATGAGTTTAGCCAGGGCTTCTGAGGTTTTGCTC[T>A]AGGAAATAACCAGAATGTGAAATGAGAGCTATCGAAAGCAGACCTGTCCAAACCCAGCCT-3'

ClinVar aggregate classification (germline): Likely pathogenic. Review status: criteria provided, multiple submitters, no conflicts (2 of 4 stars). 2 submissions from 2 submitters: Likely pathogenic (2). Last evaluated 2024-01-30.

Conditions:
Wilson disease (WND). Also called: Wilson's disease. Identifiers: Orphanet 905, MedGen C0019202, MONDO:0010200, OMIM 277900. Disease mechanism: loss of function.

Submissions (2):

Fulgent Genetics
Classification: Likely pathogenic for Wilson disease. Last evaluated: 2024-01-30. Review status: criteria provided, single submitter. Criteria: ACMG Guidelines, 2015. Collection method: clinical testing. Allele origin: germline.

Women's Health and Genetics/Laboratory Corporation of America, LabCorp
Classification: Likely pathogenic for Wilson disease. Last evaluated: 2023-03-31. Review status: criteria provided, single submitter. Criteria: LabCorp Variant Classification Summary - May 2015. Collection method: clinical testing. Allele origin: germline.
Comment: Variant summary: ATP7B c.2356-2A>T is located in a canonical splice-site and is predicted to affect mRNA splicing resulting in a significantly altered protein due to either exon skipping, shortening, or inclusion of intronic material. Several computational tools predict a significant impact on normal splicing: Four predict the variant abolishes a canonical 3' acceptor site. However, these predictions have yet to be confirmed by functional studies. The variant was absent in 249572 control chromosomes (gnomAD). To our knowledge, no occurrence of c.2356-2A>T in individuals affected with Wilson Disease and no experimental evidence demonstrating its impact on protein function have been reported. However, a variant affecting the same nucleotide, c.2356-2A>G, has been observed in affected individuals and classified as pathogenic in ClinVar (HGMD database, ClinVar: 1162213). No clinical diagnostic laboratories have submitted clinical-significance assessments for this variant to ClinVar after 2014. Based on the evidence outlined above, the variant was classified as likely pathogenic.